The following is an entry in ClinVar:

NM_001849.4(COL6A2):c.492C>T (p.His164=)

Gene: COL6A2 (collagen type VI alpha 2 chain; plus strand). Cytogenetic location: 21q22.3.
Variant type: single nucleotide variant.
Coding change: c.492C>T on transcript NM_001849.4 (MANE Select); coding-DNA position 492, C replaced by T.
Protein change: p.His164=; no amino-acid change (histidine 164 retained).
Molecular consequence: synonymous variant.
Genome position (GRCh38, 1-based): chr21:46,112,355, C>T. VCF-style: chr21-46112355-C-T. GRCh37 (hg19) VCF-style: chr21-47532269-C-T.
Other names: c.492C>T, p.His164= (NM_058174.3, NM_058175.3).
Identifiers: ClinVar variation 286046 (VCV000286046.49), dbSNP rs140929054, ClinGen allele CA10071311.

ClinVar aggregate classification (germline): Conflicting classifications of pathogenicity. Review status: criteria provided, conflicting classifications (1 of 4 stars). 7 submissions from 7 submitters: Uncertain significance (1); Benign (2); Likely benign (3). 1 of the submissions does not count toward it. Last evaluated 2026-01-14.

Conditions:
COL6A2-related disorder.
Collagen 6-related myopathy. Identifiers: MedGen CN117976, MONDO:0100225.
Bethlem myopathy 1A. Also called: Bethlem myopathy 1; Bethlem Muscular Dystrophy; MYOPATHY, BENIGN CONGENITAL, WITH CONTRACTURES. Identifiers: Orphanet 610, MedGen CN029274, MONDO:0024530, OMIM 158810.

Allele frequency attached by ClinVar (database versions not stated): gnomAD exomes 0.00011 and 0.00027; ExAC 0.00026; 1000 Genomes Project 30x 0.00062; 1000 Genomes Project 0.00080; gnomAD 0.00094 and 0.00101; TOPMed 0.00108; ESP Exome Variant Server 0.00118.
gnomAD v4.1: 310 of 1,609,026 alleles (0.019%); highest among the groups gnomAD compares: African/African-American, 0.29%; 2 homozygotes.

Submissions (7):

Labcorp Genetics (formerly Invitae), Labcorp
Classification: Benign for Bethlem myopathy 1A. Last evaluated: 2026-01-14. Review status: criteria provided, single submitter. Criteria: Invitae Variant Classification Sherloc (09022015). Collection method: clinical testing. Allele origin: germline.

Blueprint Genetics
Classification: Likely benign. Last evaluated: 2024-11-13. Review status: criteria provided, single submitter. Criteria: ACMG Guidelines, 2015. Collection method: clinical testing. Allele origin: germline.

CeGaT Center for Human Genetics Tuebingen
Classification: Likely benign. Last evaluated: 2022-04-01. Review status: criteria provided, single submitter. Criteria: CeGaT Center For Human Genetics Tuebingen Variant Classification Criteria Version 2. Collection method: clinical testing. Allele origin: germline. Affected: yes. Observed: 1 variant allele.
Comment: COL6A2: BP4, BP7

Illumina Laboratory Services, Illumina
Classification: Benign for Collagen VI-related myopathy. Last evaluated: 2018-01-12. Review status: criteria provided, single submitter. Criteria: ICSL Variant Classification Criteria 13 December 2019. Collection method: clinical testing. Allele origin: germline.
Comment: This variant was observed in the ICSL laboratory as part of a predisposition screen in an ostensibly healthy population. It had not been previously curated by ICSL or reported in the Human Gene Mutation Database (HGMD: prior to June 1st, 2018), and was therefore a candidate for classification through an automated scoring system. Utilizing variant allele frequency, disease prevalence and penetrance estimates, and inheritance mode, an automated score was calculated to assess if this variant is too frequent to cause the disease. Based on the score and internal cut-off values, a variant classified as benign is not then subjected to further curation. The score for this variant resulted in a classification of benign for this disease.

GeneDx
Classification: Likely benign. Last evaluated: 2016-10-21. Review status: criteria provided, single submitter. Criteria: GeneDx Variant Classification (06012015). Collection method: clinical testing. Allele origin: germline. Affected: yes.
Comment: This variant is considered likely benign or benign based on one or more of the following criteria: it is a conservative change, it occurs at a poorly conserved position in the protein, it is predicted to be benign by multiple in silico algorithms, and/or has population frequency not consistent with disease.

Eurofins Ntd Llc (ga)
Classification: Uncertain significance. Last evaluated: 2016-02-02. Review status: criteria provided, single submitter. Criteria: EGL Classification Definitions 2015. Collection method: clinical testing. Allele origin: germline. Observed: 5 variant alleles, 5 heterozygotes.

PreventionGenetics, part of Exact Sciences
Classification: Likely benign for COL6A2-related condition. Last evaluated: 2020-01-24. Review status: no assertion criteria provided. Collection method: clinical testing. Allele origin: germline. Not counted in ClinVar's aggregate classification.
Comment: This variant is classified as likely benign based on ACMG/AMP sequence variant interpretation guidelines (Richards et al. 2015 PMID: 25741868, with internal and published modifications).